The following is an entry in ClinVar:

ClinVar aggregate classification (germline): Uncertain significance. Review status: criteria provided, multiple submitters, no conflicts (2 of 4 stars). 2 submissions from 2 submitters: Uncertain significance (2). Last evaluated 2025-03-12.

Conditions:
Parathyroid carcinoma (PRTC). Also called: CDC73-Related Parathyroid Carcinoma; Parathyroid gland carcinoma. Identifiers: Orphanet 143, MedGen C0687150, MONDO:0012004, OMIM 608266, HP:0006780.
Hereditary cancer-predisposing syndrome. Also called: Hereditary Cancer Syndrome; Neoplastic Syndromes, Hereditary; Tumor predisposition; Hereditary neoplastic syndrome. Identifiers: Orphanet 140162, MedGen C0027672, MeSH D009386, MONDO:0015356.

Allele frequency attached by ClinVar (database versions not stated): gnomAD exomes below 0.00001; ExAC 0.00001; ESP Exome Variant Server 0.00008.
gnomAD v4.1: 4 of 1,599,674 alleles (0.00025%); highest among the groups gnomAD compares: Non-Finnish European, 0.00034%; no homozygotes.

Submissions (2):

Ambry Genetics
Classification: Uncertain significance for Hereditary cancer-predisposing syndrome. Last evaluated: 2025-03-12. Review status: criteria provided, single submitter. Criteria: Ambry Variant Classification Scheme 2023. Collection method: clinical testing. Allele origin: germline.
Comment: The c.972G>A variant (also known as p.T324T), located in coding exon 10 of the CDC73 gene, results from a G to A substitution at nucleotide position 972. This nucleotide substitution does not change the threonine at codon 324. However, this change occurs in the last base pair of coding exon 10, which makes it likely to have some effect on normal mRNA splicing. This nucleotide position is well conserved in available vertebrate species. In silico splice site analysis for this alteration is inconclusive. RNA studies have demonstrated that this alteration results in an incomplete splice defect; the clinical impact of this abnormal splicing is unknown at this time (Ambry internal data). Since supporting evidence is limited at this time, the clinical significance of this alteration remains unclear.

Labcorp Genetics (formerly Invitae), Labcorp
Classification: Uncertain significance for Parathyroid carcinoma. Last evaluated: 2023-12-30. Review status: criteria provided, single submitter. Criteria: Invitae Variant Classification Sherloc (09022015). Collection method: clinical testing. Allele origin: germline.
Comment: This sequence change affects codon 324 of the CDC73 mRNA. It is a 'silent' change, meaning that it does not change the encoded amino acid sequence of the CDC73 protein. This variant also falls at the last nucleotide of exon 10, which is part of the consensus splice site for this exon. The frequency data for this variant in the population databases is considered unreliable, as metrics indicate poor data quality at this position in the gnomAD database. This variant has not been reported in the literature in individuals affected with CDC73-related conditions. ClinVar contains an entry for this variant (Variation ID: 1021527). Variants that disrupt the consensus splice site are a relatively common cause of aberrant splicing (PMID: 17576681, 9536098). Algorithms developed to predict the effect of sequence changes on RNA splicing suggest that this variant may create or strengthen a splice site. In summary, the available evidence is currently insufficient to determine the role of this variant in disease. Therefore, it has been classified as a Variant of Uncertain Significance.

Literature cited by the submitters: PubMed 17576681 (cited by Labcorp Genetics (formerly Invitae), Labcorp); PubMed 9536098 (cited by Labcorp Genetics (formerly Invitae), Labcorp).

NM_024529.5(CDC73):c.972G>A (p.Thr324=)

Gene: CDC73 (cell division cycle 73; plus strand). Cytogenetic location: 1q31.2.
Variant type: single nucleotide variant.
Coding change: c.972G>A on transcript NM_024529.5 (MANE Select); coding-DNA position 972, G replaced by A.
Protein change: p.Thr324=; no amino-acid change (threonine 324 retained).
Molecular consequence: synonymous variant.
Genome position (GRCh38, 1-based): chr1:193,152,444, G>A. VCF-style: chr1-193152444-G-A. GRCh37 (hg19) VCF-style: chr1-193121574-G-A.
Identifiers: ClinVar variation 1021527 (VCV001021527.12), dbSNP rs369930569, ClinGen allele CA1303518.
Genomic context (GRCh38, chr1:193,152,444, plus strand): 5'-GGAAGGCTTCAAAATTGACACTATGGGAACCTACCATGGTATGACACTGAAATCTGTAAC[G>A]GTAAGTTAATTTGGCTGTAGATGTTCTTTTGTTCCAGGGATTTTATGTGAGTAGCACATG-3'
Protein context (NP_078805.3, residues 314-334): TYHGMTLKSV[Thr324=]EGASARKTQT